The following is an entry in ClinVar:

NM_001267550.2(TTN):c.94514del (p.Asn31505fs)

Genes: TTN (titin; minus strand), TTN-AS1 (TTN antisense RNA 1; plus strand). Cytogenetic location: 2q31.2.
Variant type: Deletion.
Coding change: c.94514del on transcript NM_001267550.2 (MANE Select); coding-DNA position 94514, one base deleted (A; older notation c.94514delA).
Protein change: p.Asn31505fs; shifts the reading frame from asparagine 31505.
Molecular consequence: frameshift variant.
Genome position (GRCh38, 1-based): chr2:178,547,011, T deleted on the plus strand (A on the coding strand, the reverse complement: TTN is on the minus strand); the first of 4 consecutive T bases (chr2:178,547,011-178,547,014); deleting any one gives the same sequence. VCF-style (leftmost placement, unchanged base first): chr2-178547010-AT-A. GRCh37 (hg19) VCF-style: chr2-179411737-AT-A.
Other names: c.89591del, p.Asn29864fs (NM_001256850.1); c.67319del, p.Asn22440fs (NM_003319.4); c.86810del, p.Asn28937fs (NM_133378.4); c.67694del, p.Asn22565fs (NM_133432.3); c.67895del, p.Asn22632fs (NM_133437.4); short protein forms N22440fs, N22565fs, N22632fs, N28937fs, N29864fs, N31505fs.
Identifiers: ClinVar variation 5038163 (VCV005038163.1).
Genomic context (GRCh38, chr2:178,547,010, plus strand): 5'-TCTACTAGAATCAGTAATAATAAACAAATATGCCCTTAAATTGTGATACATACCAACTGG[AT>A]TTTGAGCCATTATAGGTCTTGAAGCTTCGCTGGCCTTGCTAACACCTGCAGCATTGAGTG-3'

ClinVar aggregate classification (germline): Likely pathogenic (1 of 4 stars; one submission).

Conditions:
Dilated cardiomyopathy 1G (CMD1G). Identifiers: Orphanet 154, MedGen C1858763, MONDO:0011400, OMIM 604145.

Submission:

MVZ Medizinische Genetik Mainz
Classification: Likely pathogenic for Dilated cardiomyopathy 1G. Last evaluated: 2026-02-10. Review status: criteria provided, single submitter. Criteria: UK Practice Guidelines For Variant Classification V4 01 2020. Collection method: clinical testing. Allele origin: germline. Inheritance: Autosomal dominant inheritance. Affected: yes. Observed: 1 variant allele.
Comment: ACMG Criteria: PVS1,PM2_SUP